The following is an entry in ClinVar:

ClinVar aggregate classification (germline): Likely benign (0 of 4 stars; one submission).

Conditions:
KSR2-related disorder. Also called: KSR2-related condition.

Submission:

PreventionGenetics, part of Exact Sciences
Classification: Likely benign for KSR2-related condition. Last evaluated: 2024-05-21. Review status: no assertion criteria provided. Collection method: clinical testing. Allele origin: germline.
Comment: This variant is classified as likely benign based on ACMG/AMP sequence variant interpretation guidelines (Richards et al. 2015 PMID: 25741868, with internal and published modifications).

NM_173598.6(KSR2):c.82C>T (p.Gln28Ter)

Gene: KSR2 (kinase suppressor of ras 2; minus strand). Cytogenetic location: 12q24.23.
Variant type: single nucleotide variant.
Coding change: c.82C>T on transcript NM_173598.6 (MANE Select); coding-DNA position 82, C replaced by T.
Protein change: p.Gln28Ter; replaces glutamine 28 with a stop codon.
Molecular consequence: nonsense.
Genome position (GRCh38, 1-based): chr12:117,968,174, G>A on the plus strand (C>T on the coding strand, the complement: KSR2 is on the minus strand). VCF-style: chr12-117968174-G-A. GRCh37 (hg19) VCF-style: chr12-118405979-G-A.
Other names: short protein forms Q28*.
Identifiers: ClinVar variation 3346298 (VCV003346298.1).
Genomic context (GRCh38, chr12:117,968,174, plus strand): 5'-AGGTAGCACATTTGGTCCTAAGCCCTTCCAGGTTGGAGATGCTCAAGTCTATCATGTTTT[G>A]GACCAGTTCGCACTGCTGTAAGGCTTTTTGCAAACTCAGAGGCTGCTGCTCCTCGCTTTT-3'